The following is an entry in ClinVar:

NM_020631.6(PLEKHG5):c.1428G>C (p.Lys476Asn)

Gene: PLEKHG5 (pleckstrin homology and RhoGEF domain containing G5; minus strand). Cytogenetic location: 1p36.31.
Variant type: single nucleotide variant.
Coding change: c.1428G>C on transcript NM_020631.6 (MANE Select); coding-DNA position 1428, G replaced by C.
Protein change: p.Lys476Asn; replaces lysine 476 with asparagine.
Molecular consequence: missense variant.
Genome position (GRCh38, 1-based): chr1:6,470,849, C>G on the plus strand (G>C on the coding strand, the complement: PLEKHG5 is on the minus strand). VCF-style: chr1-6470849-C-G. GRCh37 (hg19) VCF-style: chr1-6530909-C-G.
Other names: c.1539G>C, p.Lys513Asn (NM_001042663.3, NM_001265592.2); c.1428G>C, p.Lys476Asn (NM_001042664.2, NM_001042665.2, NM_001265594.3 and 1 more transcripts); c.1635G>C, p.Lys545Asn (NM_001265593.2); short protein forms K513N, K476N, K545N.
Identifiers: ClinVar variation 1415382 (VCV001415382.6), dbSNP rs1243221708, ClinGen allele CA338127001.

ClinVar aggregate classification (germline): Uncertain significance (1 of 4 stars; one submission).

Conditions:
Neuronopathy, distal hereditary motor, autosomal recessive 4. Also called: NEUROPATHY, DISTAL HEREDITARY MOTOR, AUTOSOMAL RECESSIVE 4; Autosomal recessive lower motor neuron disease with childhood onset. Identifiers: Orphanet 206580, MedGen C1970211, MONDO:0012608, OMIM 611067.
Charcot-Marie-Tooth disease recessive intermediate C. Also called: CHARCOT-MARIE-TOOTH NEUROPATHY, RECESSIVE INTERMEDIATE C. Identifiers: Orphanet 369867, MedGen C3809309, MONDO:0014154, OMIM 615376.

Submission:

Labcorp Genetics (formerly Invitae), Labcorp
Classification: Uncertain significance for Neuronopathy, distal hereditary motor, autosomal recessive 4; Charcot-Marie-Tooth disease recessive intermediate C. Last evaluated: 2021-09-08. Review status: criteria provided, single submitter. Criteria: Invitae Variant Classification Sherloc (09022015). Collection method: clinical testing. Allele origin: germline.
Comment: This sequence change replaces lysine with asparagine at codon 476 of the PLEKHG5 protein (p.Lys476Asn). The lysine residue is moderately conserved and there is a moderate physicochemical difference between lysine and asparagine. This variant is not present in population databases (ExAC no frequency). This variant has not been reported in the literature in individuals affected with PLEKHG5-related conditions. Algorithms developed to predict the effect of missense changes on protein structure and function are either unavailable or do not agree on the potential impact of this missense change (SIFT: "Deleterious"; PolyPhen-2: "Possibly Damaging"; Align-GVGD: "Class C0"). In summary, the available evidence is currently insufficient to determine the role of this variant in disease. Therefore, it has been classified as a Variant of Uncertain Significance.